The following is an entry in ClinVar:

NM_001793.6(CDH3):c.116_118del (p.Glu39del)

Genes: CDH3 (cadherin 3; plus strand), CDH3-AS1 (CDH3 antisense RNA 1; minus strand). Cytogenetic location: 16q22.1.
Variant type: Deletion.
Coding change: c.116_118del on transcript NM_001793.6 (MANE Select); coding-DNA positions 116 to 118, 3 bases deleted (AGG; older notation c.116_118delAGG).
Protein change: p.Glu39del; deletes glutamic acid 39.
Molecular consequence: inframe deletion. On other transcripts: intron variant (1).
Genome position (GRCh38, 1-based): chr16:68,645,706-68,645,708, AGG deleted; deleting any 3 consecutive bases within chr16:68,645,704-68,645,708 gives the same sequence; the c. name uses the placement nearest the transcript's 3' end. VCF-style (leftmost placement, unchanged base first): chr16-68645703-TGGA-T. GRCh37 (hg19) VCF-style: chr16-68679606-TGGA-T.
Other names: c.116_118del, p.Glu39del (NM_001317195.3); c.-6+282_-6+284del (NM_001317196.2); short protein forms E39del.
Identifiers: ClinVar variation 2001421 (VCV002001421.4), dbSNP rs2543671963, ClinGen allele CA2580091828.
Genomic context (GRCh38, chr16:68,645,703, plus strand): 5'-GGCTGCAGTGCGCGGCCTCCGAGCCGTGCCGGGCGGTCTTCAGGGAGGCTGAAGTGACCT[TGGA>T]GGCGGGAGGCGCGGAGCAGGAGCCCGGCCAGGCGCTGGGGAAAGGTAAGATCCTCAGGGT-3'

ClinVar aggregate classification (germline): Uncertain significance (1 of 4 stars; one submission).

Submission:

Labcorp Genetics (formerly Invitae), Labcorp
Classification: Uncertain significance. Last evaluated: 2022-05-31. Review status: criteria provided, single submitter. Criteria: Invitae Variant Classification Sherloc (09022015). Collection method: clinical testing. Allele origin: germline.
Comment: In summary, the available evidence is currently insufficient to determine the role of this variant in disease. Therefore, it has been classified as a Variant of Uncertain Significance. Experimental studies and prediction algorithms are not available or were not evaluated, and the functional significance of this variant is currently unknown. This variant has not been reported in the literature in individuals affected with CDH3-related conditions. This variant is not present in population databases (gnomAD no frequency). This variant, c.116_118del, results in the deletion of 1 amino acid(s) of the CDH3 protein (p.Glu39del), but otherwise preserves the integrity of the reading frame.